The following is an entry in ClinVar:

ClinVar aggregate classification (germline): Likely benign. Review status: criteria provided, multiple submitters, no conflicts (2 of 4 stars). 3 submissions from 3 submitters: Likely benign (2). 1 of the submissions does not count toward it. Last evaluated 2018-07-18.

Conditions:
TNFRSF10B-related disorder. Also called: TNFRSF10B-related condition.

Allele frequency attached by ClinVar (database versions not stated): 1000 Genomes Project 30x 0.00016; 1000 Genomes Project 0.00020; gnomAD exomes 0.00028; TOPMed 0.00030; ESP Exome Variant Server 0.00031; gnomAD 0.00031 and 0.00032; ExAC 0.00033.
gnomAD v4.1: 1,110 of 1,614,130 alleles (0.069%); highest among the groups gnomAD compares: Non-Finnish European, 0.089%; no homozygotes.

Submissions (3):

Labcorp Genetics (formerly Invitae), Labcorp
Classification: Likely benign. Last evaluated: 2018-07-18. Review status: criteria provided, single submitter. Criteria: Invitae Variant Classification Sherloc (09022015). Collection method: clinical testing. Allele origin: germline.

Breakthrough Genomics
Classification: Likely benign. Review status: criteria provided, single submitter. Criteria: ACMG Guidelines, 2015. Collection method: not provided. Allele origin: germline. Inheritance: Autosomal recessive inheritance. Affected: yes.

PreventionGenetics, part of Exact Sciences
Classification: Likely benign for TNFRSF10B-related condition. Last evaluated: 2019-10-28. Review status: no assertion criteria provided. Collection method: clinical testing. Allele origin: germline. Not counted in ClinVar's aggregate classification.
Comment: This variant is classified as likely benign based on ACMG/AMP sequence variant interpretation guidelines (Richards et al. 2015 PMID: 25741868, with internal and published modifications).

NM_003842.5(TNFRSF10B):c.168C>T (p.Ile56=)

Gene: TNFRSF10B (TNF receptor superfamily member 10b; minus strand). Cytogenetic location: 8p21.3.
Variant type: single nucleotide variant.
Coding change: c.168C>T on transcript NM_003842.5 (MANE Select); coding-DNA position 168, C replaced by T.
Protein change: p.Ile56=; no amino-acid change (isoleucine 56 retained).
Molecular consequence: synonymous variant.
Genome position (GRCh38, 1-based): chr8:23,043,220, G>A on the plus strand (C>T on the coding strand, the complement: TNFRSF10B is on the minus strand). VCF-style: chr8-23043220-G-A. GRCh37 (hg19) VCF-style: chr8-22900733-G-A.
Other names: c.168C>T, p.Ile56= (NM_147187.3).
Identifiers: ClinVar variation 719596 (VCV000719596.6), dbSNP rs150192996, ClinGen allele CA4673464.
Genomic context (GRCh38, chr8:23,043,220, plus strand): 5'-GGGGCTGGACCTCTTTTGTTGTGGGGCCGCTCTCTGCTGGGGAGCTAGGTCTTGTTGGGT[G>A]ATCAGAGCAGACTCAGCTGAGACCTGTGGGGACAAAGCAGGGATGGGCATGAGTGGCTTC-3'
Protein context (NP_003833.4, residues 46-66): LLLVSAESAL[Ile56=]TQQDLAPQQR